The following is an entry in ClinVar:

ClinVar aggregate classification (germline): Pathogenic (1 of 4 stars; one submission).

Conditions:
Cardiovascular phenotype. Identifiers: MedGen CN230736.
Hereditary cancer-predisposing syndrome. Also called: Tumor predisposition; Neoplastic Syndromes, Hereditary; Hereditary neoplastic syndrome; Hereditary Cancer Syndrome. Identifiers: Orphanet 140162, MedGen C0027672, MeSH D009386, MONDO:0015356.

Submission:

Ambry Genetics
Classification: Pathogenic for Cardiovascular phenotype; Hereditary cancer-predisposing syndrome. Last evaluated: 2025-06-17. Review status: criteria provided, single submitter. Criteria: Ambry Variant Classification Scheme 2023. Collection method: clinical testing. Allele origin: germline.
Comment: The c.2243dupA pathogenic mutation, located in coding exon 19 of the LZTR1 gene, results from a duplication of A at nucleotide position 2243, causing a translational frameshift with a predicted alternate stop codon (p.Y748*). This variant is considered to be rare based on population cohorts in the Genome Aggregation Database (gnomAD). This alteration is expected to result in loss of function by premature protein truncation or nonsense-mediated mRNA decay. Loss-of-function variants in LZTR1 are related to an increased risk for schwannomas and autosomal recessive Noonan syndrome; however, such associations with autosomal dominant Noonan syndrome have not been observed (Piotrowski A et al. Nat Genet. 2014 Feb;46:182-7; Yamamoto GL et al. J Med Genet. 2015 Jun;52:413-21; Johnston JJ et al. Genet Med. 2018 10;20:1175-1185). Based on the supporting evidence, this variant is pathogenic for an increased risk of LZTR1-related schwannomatosis (SWN) and would be expected to cause autosomal recessive Noonan syndrome when present along with a second pathogenic or likely pathogenic variant on the other allele; however, the association of this alteration with autosomal dominant Noonan syndrome is unlikely.

NM_006767.4(LZTR1):c.2243dup (p.Tyr748Ter)

Gene: LZTR1 (leucine zipper like post translational regulator 1; plus strand). Cytogenetic location: 22q11.21.
Variant type: Duplication.
Coding change: c.2243dup on transcript NM_006767.4 (MANE Select); coding-DNA position 2243, one base duplicated (A; older notation c.2243dupA).
Protein change: p.Tyr748Ter; replaces tyrosine 748 with a stop codon.
Molecular consequence: nonsense.
Genome position (GRCh38, 1-based): chr22:20,996,719, A duplicated. VCF-style (leftmost placement, unchanged base first): chr22-20996718-T-TA. GRCh37 (hg19) VCF-style: chr22-21351007-T-TA.
Other names: short protein forms Y748*.
Identifiers: ClinVar variation 4101860 (VCV004101860.1).